The following is an entry in ClinVar:

ClinVar aggregate classification (germline): Uncertain significance. Review status: criteria provided, multiple submitters, no conflicts (2 of 4 stars). 2 submissions from 2 submitters: Uncertain significance (2). Last evaluated 2024-12-19.

Conditions:
Congenital anomalies of kidney and urinary tract 2. Identifiers: Orphanet 2190, MedGen C5574705, MONDO:0027676, OMIM 143400.

gnomAD v4.1: 1 of 1,606,470 alleles (0.000062%); highest among the groups gnomAD compares: Non-Finnish European, 0.000085%; no homozygotes.

Submissions (2):

Genomic Medicine Center of Excellence, King Faisal Specialist Hospital and Research Centre
Classification: Uncertain significance for Congenital anomalies of kidney and urinary tract 2. Last evaluated: 2024-12-19. Review status: criteria provided, single submitter. Criteria: ACMG Guidelines, 2015. Collection method: clinical testing. Allele origin: germline.

GeneDx
Classification: Uncertain significance. Last evaluated: 2024-09-29. Review status: criteria provided, single submitter. Criteria: GeneDx Variant Classification Process June 2021. Collection method: clinical testing. Allele origin: germline. Affected: yes.
Comment: Not observed at significant frequency in large population cohorts (gnomAD); In silico analysis supports that this missense variant has a deleterious effect on protein structure/function; Has not been previously published as pathogenic or benign to our knowledge

NM_001080508.3(TBX18):c.530C>T (p.Ser177Phe)

Gene: TBX18 (T-box transcription factor 18; minus strand). Cytogenetic location: 6q14.3.
Variant type: single nucleotide variant.
Coding change: c.530C>T on transcript NM_001080508.3 (MANE Select); coding-DNA position 530, C replaced by T.
Protein change: p.Ser177Phe; replaces serine 177 with phenylalanine.
Molecular consequence: missense variant.
Genome position (GRCh38, 1-based): chr6:84,760,324, G>A on the plus strand (C>T on the coding strand, the complement: TBX18 is on the minus strand). VCF-style: chr6-84760324-G-A. GRCh37 (hg19) VCF-style: chr6-85470042-G-A.
Other names: c.530C>T (NM_001080508.2); short protein forms S177F.
Identifiers: ClinVar variation 3393071 (VCV003393071.2).